The following is an entry in ClinVar:

NM_004260.4(RECQL4):c.1174G>C (p.Gly392Arg)

Gene: RECQL4 (RecQ like helicase 4; minus strand). Cytogenetic location: 8q24.3.
Variant type: single nucleotide variant.
Coding change: c.1174G>C on transcript NM_004260.4 (MANE Select); coding-DNA position 1174, G replaced by C.
Protein change: p.Gly392Arg; replaces glycine 392 with arginine.
Molecular consequence: missense variant. On other transcripts: non-coding transcript variant (3), intron variant (1).
Genome position (GRCh38, 1-based): chr8:144,515,848, C>G on the plus strand (G>C on the coding strand, the complement: RECQL4 is on the minus strand). VCF-style: chr8-144515848-C-G. GRCh37 (hg19) VCF-style: chr8-145741232-C-G.
Other names: c.1078G>C, p.Gly360Arg (NM_001413017.1, NM_001413020.1); c.1174G>C, p.Gly392Arg (NM_001413018.1, NM_001413019.1, NM_001413033.1 and 2 more transcripts); c.103G>C, p.Gly35Arg (NM_001413021.1, NM_001413022.1, NM_001413023.1 and 8 more transcripts); c.1045G>C, p.Gly349Arg (NM_001413025.1); c.41G>C, p.Gly14Ala (NM_001413027.1, NM_001413030.1, NM_001413031.1 and 2 more transcripts); c.823G>C, p.Gly275Arg (NM_001413029.1); c.-210+140G>C (NM_001413043.1); short protein forms G275R, G349R, G392R, G14A, G35R, G360R.
Identifiers: ClinVar variation 4152417 (VCV004152417.1).

ClinVar aggregate classification (germline): Uncertain significance (1 of 4 stars; one submission).

Conditions:
Inborn genetic diseases. Identifiers: MedGen C0950123, MeSH D030342.

gnomAD v4.1: 3 of 1,612,956 alleles (0.00019%); highest among the groups gnomAD compares: East Asian, 0.0022%; no homozygotes.

Submission:

Ambry Genetics
Classification: Uncertain significance for Inborn genetic diseases. Last evaluated: 2025-08-14. Review status: criteria provided, single submitter. Criteria: Ambry Variant Classification Scheme 2023. Collection method: clinical testing. Allele origin: germline.
Comment: The p.G392R variant (also known as c.1174G>C), located in coding exon 6 of the RECQL4 gene, results from a G to C substitution at nucleotide position 1174. The glycine at codon 392 is replaced by arginine, an amino acid with dissimilar properties. This amino acid position is conserved. In addition, this alteration is predicted to be tolerated by in silico analysis. Based on the available evidence, the clinical significance of this variant remains unclear.